The following is an entry in ClinVar:

NM_005359.6(SMAD4):c.70A>G (p.Met24Val)

Gene: SMAD4 (SMAD family member 4; plus strand). Cytogenetic location: 18q21.2.
Variant type: single nucleotide variant.
Coding change: c.70A>G on transcript NM_005359.6 (MANE Select); coding-DNA position 70, A replaced by G.
Protein change: p.Met24Val; replaces methionine 24 with valine.
Molecular consequence: missense variant.
Genome position (GRCh38, 1-based): chr18:51,047,116, A>G. VCF-style: chr18-51047116-A-G. GRCh37 (hg19) VCF-style: chr18-48573486-A-G.
Other names: short protein forms M24V.
Identifiers: ClinVar variation 231829 (VCV000231829.32), dbSNP rs876659391, ClinGen allele CA10580970.
Genomic context (GRCh38, chr18:51,047,116, plus strand): 5'-ATGTCTATTACGAATACACCAACAAGTAATGATGCCTGTCTGAGCATTGTGCATAGTTTG[A>G]TGTGCCATAGACAAGGTGGAGAGAGTGAAACATTTGCAAAAAGAGCAATTGAAAGTTTGG-3'
Protein context (NP_005350.1, residues 14-34): DACLSIVHSL[Met24Val]CHRQGGESET

ClinVar aggregate classification (germline): Conflicting classifications of pathogenicity. Review status: criteria provided, conflicting classifications (1 of 4 stars). 9 submissions from 9 submitters: Uncertain significance (7); Likely benign (1). 1 of the submissions does not count toward it. Last evaluated 2026-03-23.

Conditions:
Familial thoracic aortic aneurysm and aortic dissection (TAAD). Also called: Thoracic aortic aneurysms and dissections. Identifiers: Orphanet 91387, MedGen C4707243, MONDO:0019625.
Hereditary cancer-predisposing syndrome. Also called: Neoplastic Syndromes, Hereditary; Tumor predisposition; Hereditary Cancer Syndrome; Hereditary neoplastic syndrome. Identifiers: Orphanet 140162, MedGen C0027672, MeSH D009386, MONDO:0015356.
Juvenile polyposis syndrome (JPS). Identifiers: Orphanet 2929, MedGen C0345893, MONDO:0017380, OMIM 174900.
Heritable Thoracic Aortic Disease. Also called: Heritable Thoracic Aortic Disease (HTAD). Identifiers: MedGen CN868256.
SMAD4-related disorder. Also called: SMAD4-related condition; SMAD4-Related disorders.
Juvenile polyposis/hereditary hemorrhagic telangiectasia syndrome (JPHT). Also called: Juvenile Polyposis Syndrome / Hereditary Hemorrhagic Telangiectasia (JPS/HHT); JP/HHT SYNDROME; JUVENILE POLYPOSIS WITH HEREDITARY HEMORRHAGIC TELANGIECTASIA; POLYPOSIS, GENERALIZED JUVENILE, WITH PULMONARY ARTERIOVENOUS MALFORMATION; TELANGIECTASIA, HEREDITARY HEMORRHAGIC, WITH JUVENILE POLYPOSIS COLI. Identifiers: Orphanet 2929, MedGen C1832942, MONDO:0008278, OMIM 175050.
Myhre syndrome (MYHRS). Also called: LARYNGOTRACHEAL STENOSIS, ARTHROPATHY, PROGNATHISM, AND SHORT STATURE; LAPS SYNDROME. Identifiers: Orphanet 2588, MedGen C0796081, MONDO:0007688, OMIM 139210.
Carcinoma of pancreas. Also called: Pancreatic cancer, somatic; Pancreatic carcinoma, somatic; Exocrine pancreatic carcinoma; PANCREATIC ACINAR CARCINOMA; PANCREATIC CARCINOMA. Identifiers: Orphanet 1333, Orphanet 217074, MedGen C0235974, MONDO:0005192. Disease mechanism: loss of function.
Early age onset of sporadic thoracic aortic dissections.

Allele frequency attached by ClinVar (database versions not stated): gnomAD 0.00001.

Submissions (9):

PreventionGenetics, part of Exact Sciences
Classification: Uncertain significance for SMAD4-related condition. Last evaluated: 2026-03-23. Review status: criteria provided, single submitter. Criteria: ACMG Guidelines, 2015. Collection method: clinical testing. Allele origin: germline.
Comment: The SMAD4 c.70A>G variant is predicted to result in the amino acid substitution p.Met24Val. This variant has been reported in the heterozygous state as a variant of uncertain significance in two individuals with thoracic aortic aneurysm and dissection (Bhave et al. 2021. PubMed ID: 36158166; Duan et al. 2019. PubMed ID: 30809044). In addition, this variant has been reported in an individual with Parkes Weber syndrome, and was inherited from the father who exhibited more than 100 colonic polyps. However, this individual also harbored pathogenic variants in the RASA1 and PTEN genes (Wooderchak-Donahue et al. 2018. PubMed ID: 29891884). Functional studies in COS7 cell lines showed the p.Met24Val variant resulted in similar SMAD4 activity compared to wildtype (Duan et al. 2019. PubMed ID: 30809044). This variant is absent from a large population database (gnomAD), and has conflicting classifications in ClinVar, ranging from uncertain significance to likely benign (Variation ID: 231829). At this time, the clinical significance of this variant is uncertain due to the absence of conclusive functional and genetic evidence.

Labcorp Genetics (formerly Invitae), Labcorp
Classification: Likely benign for Juvenile polyposis syndrome. Last evaluated: 2026-01-07. Review status: criteria provided, single submitter. Criteria: Invitae Variant Classification Sherloc (09022015). Collection method: clinical testing. Allele origin: germline.

Ambry Genetics
Classification: Uncertain significance for Hereditary cancer-predisposing syndrome; Familial thoracic aortic aneurysm and aortic dissection. Last evaluated: 2025-10-02. Review status: criteria provided, single submitter. Criteria: Ambry Variant Classification Scheme 2023. Collection method: clinical testing. Allele origin: germline.
Comment: The p.M24V variant (also known as c.70A>G), located in coding exon 1 of the SMAD4 gene, results from an A to G substitution at nucleotide position 70. The methionine at codon 24 is replaced by valine, an amino acid with highly similar properties. This amino acid position is well conserved in available vertebrate species. In addition, the in silico prediction for this alteration is inconclusive. Based on the available evidence, the clinical significance of this variant remains unclear.

GeneDx
Classification: Uncertain significance. Last evaluated: 2025-05-13. Review status: criteria provided, single submitter. Criteria: GeneDx Variant Classification Process June 2021. Collection method: clinical testing. Allele origin: germline. Affected: yes.
Comment: Identified in patients with SMAD4-related disorders in the published literature (PMID: 30809044, 29891884, 36158166); Not observed at significant frequency in large population cohorts (gnomAD); In silico analysis supports that this missense variant has a deleterious effect on protein structure/function; This variant is associated with the following publications: (PMID: 29891884, 30809044, 36496093, 36158166)

All of Us Research Program, National Institutes of Health
Classification: Uncertain significance for Juvenile polyposis/hereditary hemorrhagic telangiectasia syndrome. Last evaluated: 2024-09-11. Review status: criteria provided, single submitter. Criteria: ACMG Guidelines, 2015. Collection method: clinical testing. Allele origin: germline. Inheritance: Autosomal dominant inheritance. Observed: 2 variant alleles, 2 heterozygotes.
Comment: This missense variant replaces methionine with valine at codon 24 of the SMAD4 protein. Computational prediction is inconclusive regarding the impact of this variant on protein structure and function (internally defined REVEL score threshold 0.5 < inconclusive < 0.7, PMID: 27666373). To our knowledge, functional studies have not been reported for this variant. This variant has been reported in an individual diagnosed with Parkes Weber syndrome, whose father also carried the variant and who had more than 100 colonic polyps (PMID: 29891884). This variant has been reported in individuals affected with heritable thoracic aortic disease (HTAD) or early-onset thoracic aortic dissection (ESTAD) (PMID: 30809044, 36158166). This variant has been identified in 1/31390 chromosomes in the general population by the Genome Aggregation Database (gnomAD). The available evidence is insufficient to determine the role of this variant in disease conclusively. Therefore, this variant is classified as a Variant of Uncertain Significance.

This study involves interpretation of variants in research participants for the purpose of population health screening. Participant phenotype was not available at the time of variant classification. Additional details can be found in publication PMID: 35346344, PMCID: PMC8962531

Color Diagnostics, LLC DBA Color Health
Classification: Uncertain significance for Hereditary cancer-predisposing syndrome. Last evaluated: 2024-06-21. Review status: criteria provided, single submitter. Criteria: ACMG Guidelines, 2015. Collection method: clinical testing. Allele origin: germline.
Comment: This missense variant replaces methionine with valine at codon 24 of the SMAD4 protein. Computational prediction is inconclusive regarding the impact of this variant on protein structure and function (internally defined REVEL score threshold 0.5 < inconclusive < 0.7, PMID: 27666373). To our knowledge, functional studies have not been reported for this variant. This variant has been reported in an individual diagnosed with Parkes Weber syndrome, whose father also carried the variant and who had more than 100 colonic polyps (PMID: 29891884). This variant has been reported in individuals affected with heritable thoracic aortic disease (HTAD) or early-onset thoracic aortic dissection (ESTAD) (PMID: 30809044, 36158166). This variant has been identified in 1/31390 chromosomes in the general population by the Genome Aggregation Database (gnomAD). The available evidence is insufficient to determine the role of this variant in disease conclusively. Therefore, this variant is classified as a Variant of Uncertain Significance.

Fulgent Genetics
Classification: Uncertain significance for Myhre syndrome; Juvenile polyposis syndrome; Juvenile polyposis/hereditary hemorrhagic telangiectasia syndrome; Familial pancreatic carcinoma. Last evaluated: 2021-11-16. Review status: criteria provided, single submitter. Criteria: ACMG Guidelines, 2015. Collection method: clinical testing. Allele origin: unknown.

Department of Internal Medicine, The University of Texas McGovern Medical School, The University of Texas Health Science Center at Houston
Classification: Uncertain significance for Heritable Thoracic Aortic Disease. Last evaluated: 2018-04-01. Review status: criteria provided, single submitter. Criteria: ACMG Guidelines, 2015. Collection method: research. Allele origin: germline. Affected: yes. Observed: 1 variant allele.

University of Washington Center for Mendelian Genomics, University of Washington
Classification: Uncertain significance for Early age onset of sporadic thoracic aortic dissections. Review status: no assertion criteria provided. Collection method: research. Allele origin: unknown. Affected: yes. Not counted in ClinVar's aggregate classification.

Literature cited by the submitters: PubMed 30809044 (cited by 4 submitters); PubMed 29891884 (cited by All of Us Research Program, National Institutes of Health and Color Diagnostics, LLC DBA Color Health); PubMed 36158166 (cited by All of Us Research Program, National Institutes of Health and Color Diagnostics, LLC DBA Color Health).